The following is an entry in ClinVar:

NM_015599.3(PGM3):c.1289T>G (p.Leu430Trp)

Gene: PGM3 (phosphoglucomutase 3; minus strand). Cytogenetic location: 6q14.1.
Variant type: single nucleotide variant.
Coding change: c.1289T>G on transcript NM_015599.3 (MANE Select); coding-DNA position 1289, T replaced by G.
Protein change: p.Leu430Trp; replaces leucine 430 with tryptophan.
Molecular consequence: missense variant. On other transcripts: non-coding transcript variant (1), intron variant (1).
Genome position (GRCh38, 1-based): chr6:83,172,013, A>C on the plus strand (T>G on the coding strand, the complement: PGM3 is on the minus strand). VCF-style: chr6-83172013-A-C. GRCh37 (hg19) VCF-style: chr6-83881732-A-C.
Other names: c.1373T>G, p.Leu458Trp (NM_001199917.2, NM_001367287.1); c.1046T>G, p.Leu349Trp (NM_001199918.2); c.1289T>G, p.Leu430Trp (NM_001199919.2); c.1243-1535T>G (NM_001367286.1); short protein forms L430W, L458W, L349W.
Identifiers: ClinVar variation 1998500 (VCV001998500.4), dbSNP rs2538026415, ClinGen allele CA364879418.

ClinVar aggregate classification (germline): Uncertain significance (1 of 4 stars; one submission).

Conditions:
Immunodeficiency 23 (IMD23). Also called: IMMUNODEFICIENCY WITH HYPER IgE AND COGNITIVE IMPAIRMENT; IMMUNODEFICIENCY-VASCULITIS-MYOCLONUS SYNDROME. Identifiers: Orphanet 443811, MedGen C4014371, MONDO:0014353, OMIM 615816.

Allele frequency attached by ClinVar (database versions not stated): gnomAD exomes 0.00001.
gnomAD v4.1: 4 of 1,613,880 alleles (0.00025%); highest among the groups gnomAD compares: Non-Finnish European, 0.00034%; no homozygotes.

Submission:

Labcorp Genetics (formerly Invitae), Labcorp
Classification: Uncertain significance for Immunodeficiency 23. Last evaluated: 2022-05-25. Review status: criteria provided, single submitter. Criteria: Invitae Variant Classification Sherloc (09022015). Collection method: clinical testing. Allele origin: germline.
Comment: In summary, the available evidence is currently insufficient to determine the role of this variant in disease. Therefore, it has been classified as a Variant of Uncertain Significance. Algorithms developed to predict the effect of missense changes on protein structure and function (SIFT, PolyPhen-2, Align-GVGD) all suggest that this variant is likely to be disruptive. This variant has not been reported in the literature in individuals affected with PGM3-related conditions. This variant is not present in population databases (gnomAD no frequency). This sequence change replaces leucine, which is neutral and non-polar, with tryptophan, which is neutral and slightly polar, at codon 458 of the PGM3 protein (p.Leu458Trp).